The following is an entry in ClinVar:

ClinVar aggregate classification (germline): Conflicting classifications of pathogenicity. Review status: criteria provided, conflicting classifications (1 of 4 stars). 4 submissions from 4 submitters: Uncertain significance (3); Likely benign (1). Last evaluated 2025-12-24.

Conditions:
Hereditary cancer-predisposing syndrome. Also called: Neoplastic Syndromes, Hereditary; Hereditary Cancer Syndrome; Hereditary neoplastic syndrome; Tumor predisposition. Identifiers: Orphanet 140162, MedGen C0027672, MeSH D009386, MONDO:0015356.
Facial dysmorphism-immunodeficiency-livedo-short stature syndrome. Also called: Facial dysmorphism, immunodeficiency, livedo, and short stature; FILS syndrome. Identifiers: Orphanet 352712, MedGen C3554576, MONDO:0014058, OMIM 615139.
Colorectal cancer, susceptibility to, 12 (CRCS12). Also called: COLORECTAL CANCER, SUSCEPTIBILITY TO, ON CHROMOSOME 12q24. Identifiers: Orphanet 220460, MedGen C3554460, MONDO:0014038, OMIM 615083.
Intrauterine growth retardation, metaphyseal dysplasia, adrenal hypoplasia congenita, genital anomalies, and immunodeficiency. Also called: IMAGEI SYNDROME. Identifiers: MedGen C5193036, MONDO:0032684, OMIM 618336.

Allele frequency attached by ClinVar (database versions not stated): gnomAD 0.00001 and 0.00002; gnomAD exomes 0.00001 and 0.00004; TOPMed 0.00002.
gnomAD v4.1: 62 of 1,613,808 alleles (0.0038%); highest among the groups gnomAD compares: Non-Finnish European, 0.0048%; no homozygotes.

Submissions (4):

Labcorp Genetics (formerly Invitae), Labcorp
Classification: Uncertain significance. Last evaluated: 2025-12-24. Review status: criteria provided, single submitter. Criteria: Invitae Variant Classification Sherloc (09022015). Collection method: clinical testing. Allele origin: germline.
Comment: This sequence change replaces alanine, which is neutral and non-polar, with threonine, which is neutral and polar, at codon 183 of the POLE protein (p.Ala183Thr). This variant is present in population databases (no rsID available, gnomAD 0.002%). This variant has not been reported in the literature in individuals affected with POLE-related conditions. ClinVar contains an entry for this variant (Variation ID: 540667). Invitae Evidence Modeling of protein sequence and biophysical properties (such as structural, functional, and spatial information, amino acid conservation, physicochemical variation, residue mobility, and thermodynamic stability) indicates that this missense variant is not expected to disrupt POLE protein function with a negative predictive value of 80%. In summary, the available evidence is currently insufficient to determine the role of this variant in disease. Therefore, it has been classified as a Variant of Uncertain Significance.

Ambry Genetics
Classification: Likely benign for Hereditary cancer-predisposing syndrome. Last evaluated: 2024-12-23. Review status: criteria provided, single submitter. Criteria: Ambry Variant Classification Scheme 2023. Collection method: clinical testing. Allele origin: germline.

GeneDx
Classification: Uncertain significance. Last evaluated: 2022-12-07. Review status: criteria provided, single submitter. Criteria: GeneDx Variant Classification Process June 2021. Collection method: clinical testing. Allele origin: germline. Affected: yes.
Comment: Not observed at significant frequency in large population cohorts (gnomAD); In silico analysis supports that this missense variant does not alter protein structure/function; Has not been previously published as pathogenic or benign to our knowledge

Department of Pathology and Laboratory Medicine, Sinai Health System
Classification: Uncertain significance for Colorectal cancer, susceptibility to, 12; Facial dysmorphism-immunodeficiency-livedo-short stature syndrome; Intrauterine growth retardation, metaphyseal dysplasia, adrenal hypoplasia congenita, genital anomalies, and immunodeficiency. Last evaluated: 2021-06-25. Review status: criteria provided, single submitter. Criteria: ACMG Guidelines, 2015. Collection method: clinical testing. Allele origin: germline. Affected: yes.

NM_006231.4(POLE):c.547G>A (p.Ala183Thr)

Gene: POLE (DNA polymerase epsilon, catalytic subunit; minus strand). Cytogenetic location: 12q24.33.
Variant type: single nucleotide variant.
Coding change: c.547G>A on transcript NM_006231.4 (MANE Select); coding-DNA position 547, G replaced by A.
Protein change: p.Ala183Thr; replaces alanine 183 with threonine.
Molecular consequence: missense variant.
Genome position (GRCh38, 1-based): chr12:132,679,528, C>T on the plus strand (G>A on the coding strand, the complement: POLE is on the minus strand). VCF-style: chr12-132679528-C-T. GRCh37 (hg19) VCF-style: chr12-133256114-C-T.
Other names: c.547G>A (NM_006231.2); short protein forms A183T.
Identifiers: ClinVar variation 540667 (VCV000540667.10), dbSNP rs993340577, ClinGen allele CA246301881.